The following is an entry in ClinVar:

NM_020831.6(MRTFA):c.1295A>T (p.Asn432Ile)

Gene: MRTFA (myocardin related transcription factor A; minus strand). Cytogenetic location: 22q13.1.
Variant type: single nucleotide variant.
Coding change: c.1295A>T on transcript NM_020831.6 (MANE Select); coding-DNA position 1295, A replaced by T.
Protein change: p.Asn432Ile; replaces asparagine 432 with isoleucine.
Molecular consequence: missense variant.
Genome position (GRCh38, 1-based): chr22:40,420,463, T>A on the plus strand (A>T on the coding strand, the complement: MRTFA is on the minus strand). VCF-style: chr22-40420463-T-A. GRCh37 (hg19) VCF-style: chr22-40816467-T-A.
Other names: c.995A>T, p.Asn332Ile (NM_001282660.2); c.1145A>T, p.Asn382Ile (NM_001282661.3); c.1295A>T, p.Asn432Ile (NM_001282662.3); c.1100A>T, p.Asn367Ile (NM_001318139.2); short protein forms N332I, N367I, N382I, N432I.
Identifiers: ClinVar variation 1683093 (VCV001683093.8), dbSNP rs1323649965, ClinGen allele CA411663475.

ClinVar aggregate classification (germline): Uncertain significance (1 of 4 stars; one submission).

Allele frequency attached by ClinVar (database versions not stated): gnomAD exomes below 0.00001; gnomAD 0.00001.
gnomAD v4.1: 5 of 1,613,664 alleles (0.00031%); highest among the groups gnomAD compares: South Asian, 0.0044%; no homozygotes.

Submission:

Labcorp Genetics (formerly Invitae), Labcorp
Classification: Uncertain significance. Last evaluated: 2025-07-28. Review status: criteria provided, single submitter. Criteria: Invitae Variant Classification Sherloc (09022015). Collection method: clinical testing. Allele origin: germline.
Comment: This sequence change replaces asparagine, which is neutral and polar, with isoleucine, which is neutral and non-polar, at codon 332 of the MKL1 protein (p.Asn332Ile). This variant is present in population databases (no rsID available, gnomAD 0.003%). This variant has not been reported in the literature in individuals affected with MKL1-related conditions. ClinVar contains an entry for this variant (Variation ID: 1683093). An algorithm developed to predict the effect of missense changes on protein structure and function (PolyPhen-2) suggests that this variant is likely to be disruptive. In summary, the available evidence is currently insufficient to determine the role of this variant in disease. Therefore, it has been classified as a Variant of Uncertain Significance.